The following is an entry in ClinVar:

ClinVar aggregate classification (germline): Uncertain significance. Review status: criteria provided, multiple submitters, no conflicts (2 of 4 stars). 5 submissions from 5 submitters: Uncertain significance (5). Last evaluated 2026-08-23.

Conditions:
Inborn genetic diseases. Identifiers: MedGen C0950123, MeSH D030342.
Charcot-Marie-Tooth disease axonal type 2O. Also called: Charcot-Marie-Tooth disease, axonal, type 20; CHARCOT-MARIE-TOOTH NEUROPATHY, AXONAL, TYPE 2O; CHARCOT-MARIE-TOOTH DISEASE, AXONAL, AUTOSOMAL DOMINANT, TYPE 2O; Charcot-Marie-Tooth Neuropathy Type 2O. Identifiers: Orphanet 284232, MedGen C3280220, MONDO:0013644, OMIM 614228.
DYNC1H1-related disorder. Also called: DYNC1H1-related condition; DYNC1H1-related disorders. Identifiers: MedGen CN381529.

Allele frequency attached by ClinVar (database versions not stated): TOPMed below 0.00001; gnomAD 0.00001; gnomAD exomes 0.00001.
gnomAD v4.1: 23 of 1,614,068 alleles (0.0014%); highest among the groups gnomAD compares: Non-Finnish European, 0.0019%; no homozygotes.

Submissions (5):

PreventionGenetics, part of Exact Sciences
Classification: Uncertain significance for DYNC1H1-related condition. Last evaluated: 2026-08-23. Review status: criteria provided, single submitter. Criteria: ACMG Guidelines, 2015. Collection method: clinical testing. Allele origin: germline.
Comment: The DYNC1H1 c.10241A>G variant is predicted to result in the amino acid substitution p.Asn3414Ser. To our knowledge, this variant has not been reported in the literature or in a large population database (gnomAD), indicating this variant is rare. At this time, the clinical significance of this variant is uncertain due to the absence of conclusive functional and genetic evidence.

Labcorp Genetics (formerly Invitae), Labcorp
Classification: Uncertain significance for Charcot-Marie-Tooth disease axonal type 2O. Last evaluated: 2025-08-09. Review status: criteria provided, single submitter. Criteria: Invitae Variant Classification Sherloc (09022015). Collection method: clinical testing. Allele origin: germline.
Comment: This sequence change replaces asparagine, which is neutral and polar, with serine, which is neutral and polar, at codon 3414 of the DYNC1H1 protein (p.Asn3414Ser). This variant is not present in population databases (gnomAD no frequency). This variant has not been reported in the literature in individuals affected with DYNC1H1-related conditions. ClinVar contains an entry for this variant (Variation ID: 521041). Invitae Evidence Modeling of protein sequence and biophysical properties (such as structural, functional, and spatial information, amino acid conservation, physicochemical variation, residue mobility, and thermodynamic stability) has been performed for this missense variant. However, the output from this modeling did not meet the statistical confidence thresholds required to predict the impact of this variant on DYNC1H1 protein function. In summary, the available evidence is currently insufficient to determine the role of this variant in disease. Therefore, it has been classified as a Variant of Uncertain Significance.

GeneDx
Classification: Uncertain significance. Last evaluated: 2024-08-02. Review status: criteria provided, single submitter. Criteria: GeneDx Variant Classification Process June 2021. Collection method: clinical testing. Allele origin: germline. Affected: yes.
Comment: Not observed at significant frequency in large population cohorts (gnomAD); In silico analysis supports that this missense variant has a deleterious effect on protein structure/function; Has not been previously published as pathogenic or benign to our knowledge; This variant is associated with the following publications: (PMID: 25512093, 25609763, 26100331)

Ambry Genetics
Classification: Uncertain significance for Inborn genetic diseases. Last evaluated: 2024-01-03. Review status: criteria provided, single submitter. Criteria: Ambry Variant Classification Scheme 2023. Collection method: clinical testing. Allele origin: germline.
Comment: The c.10241A>G (p.N3414S) alteration is located in exon 54 (coding exon 54) of the DYNC1H1 gene. This alteration results from a A to G substitution at nucleotide position 10241, causing the asparagine (N) at amino acid position 3414 to be replaced by a serine (S). The alteration is not observed in healthy cohorts:_x000D_ Based on data from the NHLBI Exome Sequencing Project (ESP), the DYNC1H1 c.10241A>G alteration was not observed among 6491 individuals tested. Allele frequency data for this nucleotide position are not currently available from the 1000 Genomes Project or ExAC and the alteration is not currently listed in the Database of Single Nucleotide Polymorphisms (dbSNP). Rare missense alleles commonly exhibit a deleterious effect on protein function (Kryukov, 2007; Tennessen, 2012; please note that some variants may appear to be rare due to ethnic underrepresentation in the database)._x000D_ _x000D_ IF USED, PULL THESE INTO REFERENCES:_x000D_ Kryukov GV, et al. (2007) Am J Hum Genet 80:727-739. Tennessen JA, et al. (2012) Science 337(64):64-69. The altered amino acid is conserved throughout evolution:_x000D_ The p.N3414 amino acid is completely conserved in available vertebrate species. The alteration is predicted benign by in silico models:_x000D_ The p.N3414S alteration is predicted to be benign by Polyphen and tolerated by SIFT in silico analyses. Based on insufficient or conflicting evidence, the clinical significance of this alteration remains unclear.

Women's Health and Genetics/Laboratory Corporation of America, LabCorp
Classification: Uncertain significance. Last evaluated: 2023-06-07. Review status: criteria provided, single submitter. Criteria: LabCorp Variant Classification Summary - May 2015. Collection method: clinical testing. Allele origin: germline.
Comment: Variant summary: DYNC1H1 c.10241A>G (p.Asn3414Ser) results in a conservative amino acid change located in the Dynein heavy chain, tail (IPR013594) of the encoded protein sequence. Four of five in-silico tools predict a benign effect of the variant on protein function. The variant was absent in 251432 control chromosomes. The available data on variant occurrences in the general population are insufficient to allow any conclusion about variant significance. To our knowledge, no occurrence of c.10241A>G in individuals affected with DYNC1H1-Related Disorders and no experimental evidence demonstrating its impact on protein function have been reported. Two clinical diagnostic laboratories have submitted clinical-significance assessments for this variant to ClinVar after 2014 and classified the variant as uncertain significance. Based on the evidence outlined above, the variant was classified as uncertain significance.

NM_001376.5(DYNC1H1):c.10241A>G (p.Asn3414Ser)

Gene: DYNC1H1 (dynein cytoplasmic 1 heavy chain 1; plus strand). Cytogenetic location: 14q32.31.
Variant type: single nucleotide variant.
Coding change: c.10241A>G on transcript NM_001376.5 (MANE Select); coding-DNA position 10241, A replaced by G.
Protein change: p.Asn3414Ser; replaces asparagine 3414 with serine.
Molecular consequence: missense variant.
Genome position (GRCh38, 1-based): chr14:102,033,312, A>G. VCF-style: chr14-102033312-A-G. GRCh37 (hg19) VCF-style: chr14-102499649-A-G.
Other names: short protein forms N3414S.
Identifiers: ClinVar variation 521041 (VCV000521041.11), dbSNP rs1555411393, ClinGen allele CA391023373.